The following is an entry in ClinVar:

ClinVar aggregate classification (germline): Uncertain significance (1 of 4 stars; one submission).

gnomAD v4.1: 1 of 1,612,440 alleles (0.000062%); highest among the groups gnomAD compares: Non-Finnish European, 0.000085%; no homozygotes.

Submission:

Labcorp Genetics (formerly Invitae), Labcorp
Classification: Uncertain significance. Last evaluated: 2025-08-21. Review status: criteria provided, single submitter. Criteria: Invitae Variant Classification Sherloc (09022015). Collection method: clinical testing. Allele origin: germline.
Comment: This sequence change replaces serine, which is neutral and polar, with phenylalanine, which is neutral and non-polar, at codon 76 of the SNIP1 protein (p.Ser76Phe). This variant is not present in population databases (gnomAD no frequency). This variant has not been reported in the literature in individuals affected with SNIP1-related conditions. An algorithm developed to predict the effect of missense changes on protein structure and function (PolyPhen-2) suggests that this variant is likely to be disruptive. In summary, the available evidence is currently insufficient to determine the role of this variant in disease. Therefore, it has been classified as a Variant of Uncertain Significance.

NM_024700.4(SNIP1):c.227C>T (p.Ser76Phe)

Gene: SNIP1 (Smad nuclear interacting protein 1; minus strand). Cytogenetic location: 1p34.3.
Variant type: single nucleotide variant.
Coding change: c.227C>T on transcript NM_024700.4 (MANE Select); coding-DNA position 227, C replaced by T.
Protein change: p.Ser76Phe; replaces serine 76 with phenylalanine.
Molecular consequence: missense variant.
Genome position (GRCh38, 1-based): chr1:37,552,745, G>A on the plus strand (C>T on the coding strand, the complement: SNIP1 is on the minus strand). VCF-style: chr1-37552745-G-A. GRCh37 (hg19) VCF-style: chr1-38018346-G-A.
Other names: short protein forms S76F.
Identifiers: ClinVar variation 4768904 (VCV004768904.1).